The following is an entry in ClinVar:

NM_001164760.2(PRKAR1B):c.210G>A (p.Lys70=)

Gene: PRKAR1B (protein kinase cAMP-dependent type I regulatory subunit beta; minus strand). Cytogenetic location: 7p22.3.
Variant type: single nucleotide variant.
Coding change: c.210G>A on transcript NM_001164760.2 (MANE Select); coding-DNA position 210, G replaced by A.
Protein change: p.Lys70=; no amino-acid change (lysine 70 retained).
Molecular consequence: synonymous variant.
Genome position (GRCh38, 1-based): chr7:680,694, C>T on the plus strand (G>A on the coding strand, the complement: PRKAR1B is on the minus strand). VCF-style: chr7-680694-C-T. GRCh37 (hg19) VCF-style: chr7-720331-C-T.
Other names: c.210G>A, p.Lys70= (NM_001164758.2, NM_001164759.1, NM_001164761.2 and 2 more transcripts).
Identifiers: ClinVar variation 5038925 (VCV005038925.1).

ClinVar aggregate classification (germline): Likely benign (1 of 4 stars; one submission).

gnomAD v4.1: 27 of 1,613,812 alleles (0.0017%); highest among the groups gnomAD compares: Non-Finnish European, 0.0019%; no homozygotes.

Submission:

CeGaT Center for Human Genetics Tuebingen
Classification: Likely benign. Last evaluated: 2026-07-01. Review status: criteria provided, single submitter. Criteria: CeGaT Center For Human Genetics Tuebingen Variant Classification Criteria Version 2. Collection method: clinical testing. Allele origin: germline. Affected: yes. Observed: 1 variant allele.
Comment: PRKAR1B: BP4, BP7